The following is an entry in ClinVar:

NM_001142864.4(PIEZO1):c.627A>G (p.Ala209=)

Genes: HSALR1 (HSP90AB1 associated lncRNA 1; plus strand), PIEZO1 (piezo type mechanosensitive ion channel component 1 (Er blood group); minus strand). Cytogenetic location: 16q24.3.
Variant type: single nucleotide variant.
Coding change: c.627A>G on transcript NM_001142864.4 (MANE Select); coding-DNA position 627, A replaced by G.
Protein change: p.Ala209=; no amino-acid change (alanine 209 retained).
Molecular consequence: synonymous variant. On other transcripts: non-coding transcript variant (1).
Genome position (GRCh38, 1-based): chr16:88,738,575, T>C on the plus strand (A>G on the coding strand, the complement: PIEZO1 is on the minus strand). VCF-style: chr16-88738575-T-C. GRCh37 (hg19) VCF-style: chr16-88804983-T-C.
Other names: p.Ala209=.
Identifiers: ClinVar variation 714004 (VCV000714004.47), dbSNP rs140142474, ClinGen allele CA8233243.
Genomic context (GRCh38, chr16:88,738,575, plus strand): 5'-CTCCCAAGACCCCTCCCAGTGTGACTGCCAGTGCCCCCTGCCTCGGTGCGTACCTGCCAG[T>C]GCAAGCAGTGTTACGGCCAGGACCCGCCCAGCCGCCACCAGCAGCCAGTGGGCCGTGACT-3'
Protein context (NP_001136336.2, residues 199-219): AGRVLAVTLL[Ala209=]LAGIAHPSAL

ClinVar aggregate classification (germline): Benign/Likely benign. Review status: criteria provided, multiple submitters, no conflicts (2 of 4 stars). 8 submissions from 8 submitters: Benign (4); Likely benign (2). 2 of the submissions do not count toward it. Last evaluated 2026-09-01.

Allele frequency attached by ClinVar (database versions not stated): 1000 Genomes Project 0.00200; 1000 Genomes Project 30x 0.00234; gnomAD 0.00321 and 0.00330; TOPMed 0.00321; ExAC 0.00610.
gnomAD v4.1: 7,552 of 1,535,126 alleles (0.49%); highest among the groups gnomAD compares: South Asian, 0.63%; 33 homozygotes.

Submissions (8):

CeGaT Center for Human Genetics Tuebingen
Classification: Likely benign. Last evaluated: 2026-09-01. Review status: criteria provided, single submitter. Criteria: CeGaT Center For Human Genetics Tuebingen Variant Classification Criteria Version 2. Collection method: clinical testing. Allele origin: germline. Affected: yes. Observed: 13 variant alleles.
Comment: PIEZO1: BP4, BP7, BS2

Labcorp Genetics (formerly Invitae), Labcorp
Classification: Benign. Last evaluated: 2026-01-28. Review status: criteria provided, single submitter. Criteria: Invitae Variant Classification Sherloc (09022015). Collection method: clinical testing. Allele origin: germline.

Mayo Clinic Laboratories, Mayo Clinic
Classification: Likely benign. Last evaluated: 2025-09-22. Review status: criteria provided, single submitter. Criteria: ACMG Guidelines, 2015. Collection method: clinical testing. Allele origin: germline. Observed: 24 variant alleles.

Blueprint Genetics
Classification: Benign. Last evaluated: 2024-11-14. Review status: criteria provided, single submitter. Criteria: ACMG Guidelines, 2015. Collection method: clinical testing. Allele origin: germline.

ARUP Laboratories, Molecular Genetics and Genomics, ARUP Laboratories
Classification: Benign. Last evaluated: 2024-05-31. Review status: criteria provided, single submitter. Criteria: ARUP Molecular Germline Variant Investigation Process 2024. Collection method: clinical testing. Allele origin: germline.

Breakthrough Genomics
Classification: Benign. Review status: criteria provided, single submitter. Criteria: ACMG Guidelines, 2015. Collection method: not provided. Allele origin: germline. Inheritance: Autosomal recessive inheritance. Affected: yes.

Clinical Genetics DNA and cytogenetics Diagnostics Lab, Erasmus MC, Erasmus Medical Center
Classification: Benign. Review status: no assertion criteria provided. Collection method: clinical testing. Allele origin: germline. Affected: yes. Study: VKGL Data-share Consensus. Not counted in ClinVar's aggregate classification.

Clinical Genetics, Academic Medical Center
Classification: Likely benign. Review status: no assertion criteria provided. Collection method: clinical testing. Allele origin: germline. Affected: yes. Study: VKGL Data-share Consensus. Not counted in ClinVar's aggregate classification.